The following is an entry in ClinVar:

NM_001267550.2(TTN):c.88000del (p.Asp29334fs)

Genes: TTN (titin; minus strand), TTN-AS1 (TTN antisense RNA 1; plus strand). Cytogenetic location: 2q31.2.
Variant type: Deletion.
Coding change: c.88000del on transcript NM_001267550.2 (MANE Select); coding-DNA position 88000, one base deleted (G; older notation c.88000delG).
Protein change: p.Asp29334fs; shifts the reading frame from aspartic acid 29334.
Molecular consequence: frameshift variant.
Genome position (GRCh38, 1-based): chr2:178,557,262, C deleted on the plus strand (G on the coding strand, the reverse complement: TTN is on the minus strand). VCF-style (leftmost placement, unchanged base first): chr2-178557261-TC-T. GRCh37 (hg19) VCF-style: chr2-179421988-TC-T.
Other names: c.83077del, p.Asp27693fs (NM_001256850.1); c.60805del, p.Asp20269fs (NM_003319.4); c.80296del, p.Asp26766fs (NM_133378.4); c.61180del, p.Asp20394fs (NM_133432.3); c.61381del, p.Asp20461fs (NM_133437.4); c.60805delG (NM_003319.4); short protein forms D20394fs, D26766fs, D20269fs, D20461fs, D27693fs, D29334fs.
Identifiers: ClinVar variation 2586536 (VCV002586536.4), dbSNP rs2469521534, ClinGen allele CA2582342026.

ClinVar aggregate classification (germline): Likely pathogenic. Review status: criteria provided, multiple submitters, no conflicts (2 of 4 stars). 2 submissions from 2 submitters: Likely pathogenic (2). Last evaluated 2024-03-12.

Conditions:
Dilated cardiomyopathy 1G (CMD1G). Identifiers: Orphanet 154, MedGen C1858763, MONDO:0011400, OMIM 604145.
Autosomal recessive limb-girdle muscular dystrophy type 2J (LGMDR10). Also called: Limb-girdle muscular dystrophy, type 2J; MUSCULAR DYSTROPHY, LIMB-GIRDLE, AUTOSOMAL RECESSIVE 10. Identifiers: Orphanet 140922, MedGen C1837342, MONDO:0012127, OMIM 608807.
Cardiovascular phenotype. Identifiers: MedGen CN230736.

Submissions (2):

Labcorp Genetics (formerly Invitae), Labcorp
Classification: Likely pathogenic for Dilated cardiomyopathy 1G; Autosomal recessive limb-girdle muscular dystrophy type 2J. Last evaluated: 2024-03-12. Review status: criteria provided, single submitter. Criteria: Invitae Variant Classification Sherloc (09022015). Collection method: clinical testing. Allele origin: germline.
Comment: This sequence change creates a premature translational stop signal (p.Asp29334Metfs*67) in the TTN gene. While this is not anticipated to result in nonsense mediated decay, it is expected to create a truncated TTN protein. This variant is not present in population databases (gnomAD no frequency). This variant has not been reported in the literature in individuals affected with TTN-related conditions. ClinVar contains an entry for this variant (Variation ID: 2586536). This variant is located in the A band of TTN (PMID: 25589632). Truncating variants in this region are significantly overrepresented in patients affected with dilated cardiomyopathy (PMID: 25589632). Truncating variants in this region have also been reported in individuals affected with autosomal recessive centronuclear myopathy (PMID: 23975875). In summary, the currently available evidence indicates that the variant is pathogenic, but additional data are needed to prove that conclusively. Therefore, this variant has been classified as Likely Pathogenic.

Ambry Genetics
Classification: Likely pathogenic for Cardiovascular phenotype. Last evaluated: 2023-07-24. Review status: criteria provided, single submitter. Criteria: Ambry Variant Classification Scheme 2023. Collection method: clinical testing. Allele origin: germline.
Comment: The c.60805delG variant, located in coding exon 156 of the TTN gene, results from a deletion of one nucleotide at nucleotide position 60805, causing a translational frameshift with a predicted alternate stop codon (p.D20269Mfs*67). This exon is located in the A-band region of the N2-B isoform of the titin protein and is constitutively expressed in TTN transcripts (percent spliced in or PSI 100%). This variant is considered to be rare based on population cohorts in the Genome Aggregation Database (gnomAD). This alteration is expected to result in loss of function by premature protein truncation or nonsense-mediated mRNA decay. While truncating variants in TTN are present in 1-3% of the general population, truncating variants in the A-band are the most common cause of dilated cardiomyopathy (DCM) (Herman DS et al. N. Engl. J. Med., 2012 Feb;366:619-28; Roberts AM et al. Sci Transl Med, 2015 Jan;7:270ra6). TTN truncating variants encoded in constitutive exons (PSI >90%) have been found to be significantly associated with DCM regardless of their position in titin (Schafer S et al. Nat. Genet., 2017 01;49:46-53). Based on the majority of available evidence to date, this variant is likely to be pathogenic.

Literature cited by the submitters: PubMed 25589632 (cited by Labcorp Genetics (formerly Invitae), Labcorp); PubMed 23975875 (cited by Labcorp Genetics (formerly Invitae), Labcorp).